The following is an entry in ClinVar:

ClinVar aggregate classification (germline): Uncertain significance (1 of 4 stars; one submission).

gnomAD v4.1: 13 of 1,614,166 alleles (0.00081%); highest among the groups gnomAD compares: Non-Finnish European, 0.0011%; no homozygotes.

Submission:

Labcorp Genetics (formerly Invitae), Labcorp
Classification: Uncertain significance. Last evaluated: 2024-09-27. Review status: criteria provided, single submitter. Criteria: Invitae Variant Classification Sherloc (09022015). Collection method: clinical testing. Allele origin: germline.
Comment: This sequence change replaces isoleucine, which is neutral and non-polar, with methionine, which is neutral and non-polar, at codon 3465 of the HSPG2 protein (p.Ile3465Met). This variant is present in population databases (rs757920220, gnomAD 0.002%). This variant has not been reported in the literature in individuals affected with HSPG2-related conditions. An algorithm developed to predict the effect of missense changes on protein structure and function (PolyPhen-2) suggests that this variant is likely to be disruptive. In summary, the available evidence is currently insufficient to determine the role of this variant in disease. Therefore, it has been classified as a Variant of Uncertain Significance.

NM_005529.7(HSPG2):c.10395A>G (p.Ile3465Met)

Gene: HSPG2 (heparan sulfate proteoglycan 2; minus strand). Cytogenetic location: 1p36.12.
Variant type: single nucleotide variant.
Coding change: c.10395A>G on transcript NM_005529.7 (MANE Select); coding-DNA position 10395, A replaced by G.
Protein change: p.Ile3465Met; replaces isoleucine 3465 with methionine.
Molecular consequence: missense variant.
Genome position (GRCh38, 1-based): chr1:21,835,598, T>C on the plus strand (A>G on the coding strand, the complement: HSPG2 is on the minus strand). VCF-style: chr1-21835598-T-C. GRCh37 (hg19) VCF-style: chr1-22162091-T-C.
Other names: c.10398A>G, p.Ile3466Met (NM_001291860.2); short protein forms I3465M, I3466M.
Identifiers: ClinVar variation 3608272 (VCV003608272.2).
Genomic context (GRCh38, chr1:21,835,598, plus strand): 5'-ACCTTGGATAACCAGCTGGGCACTGGCCTGGGCCTTCCCCCAAGGTCCATGGGCCTGGCA[T>C]ATATACGTCCCTTGGCAGCTCTGGTCCAAGTTCTGGATTCTATAAAGAAAAAATAATAAG-3'
Protein context (NP_005520.4, residues 3455-3475): NLDQSCQGTY[Ile3465Met]CQAHGPWGKA